The following is an entry in ClinVar:

ClinVar aggregate classification (germline): Likely benign. Review status: criteria provided, multiple submitters, no conflicts (2 of 4 stars). 2 submissions from 2 submitters: Likely benign (2). Last evaluated 2025-04-01.

Conditions:
Developmental and epileptic encephalopathy, 2 (DEE2). Also called: CDKL5 deficiency disorder; INFANTILE SPASM SYNDROME, X-LINKED 2. Identifiers: Orphanet 1934, Orphanet 3451, Orphanet 505652, MedGen C4750718, MONDO:0010396, OMIM 300672.
Angelman syndrome-like. Identifiers: MedGen CN128785.

Submissions (2):

CeGaT Center for Human Genetics Tuebingen
Classification: Likely benign. Last evaluated: 2025-04-01. Review status: criteria provided, single submitter. Criteria: CeGaT Center For Human Genetics Tuebingen Variant Classification Criteria Version 2. Collection method: clinical testing. Allele origin: germline. Affected: yes. Observed: 1 variant allele.
Comment: CDKL5: BP4, BP7

Labcorp Genetics (formerly Invitae), Labcorp
Classification: Likely benign for Developmental and epileptic encephalopathy, 2; Angelman syndrome-like. Last evaluated: 2025-04-01. Review status: criteria provided, single submitter. Criteria: Invitae Variant Classification Sherloc (09022015). Collection method: clinical testing. Allele origin: germline.

NM_001323289.2(CDKL5):c.1011T>C (p.Ser337=)

Gene: CDKL5 (cyclin dependent kinase like 5; plus strand). Cytogenetic location: Xp22.13.
Variant type: single nucleotide variant.
Coding change: c.1011T>C on transcript NM_001323289.2 (MANE Select); coding-DNA position 1011, T replaced by C.
Protein change: p.Ser337=; no amino-acid change (serine 337 retained).
Molecular consequence: synonymous variant.
Genome position (GRCh38, 1-based): chrX:18,603,935, T>C. VCF-style: chrX-18603935-T-C. GRCh37 (hg19) VCF-style: chrX-18622055-T-C.
Other names: c.1011T>C, p.Ser337= (NM_001037343.2, NM_003159.3).
Identifiers: ClinVar variation 2128624 (VCV002128624.11), dbSNP rs2518873289, ClinGen allele CA515471861.